The following is an entry in ClinVar:

ClinVar aggregate classification (germline): Uncertain significance (1 of 4 stars; one submission).

Allele frequency attached by ClinVar (database versions not stated): gnomAD exomes below 0.00001; gnomAD 0.00001; TOPMed 0.00001.
gnomAD v4.1: 4 of 1,613,966 alleles (0.00025%); highest among the groups gnomAD compares: African/African-American, 0.0013%; no homozygotes.

Submission:

GeneDx
Classification: Uncertain significance. Last evaluated: 2024-11-27. Review status: criteria provided, single submitter. Criteria: GeneDx Variant Classification Process June 2021. Collection method: clinical testing. Allele origin: germline.
Comment: Not observed at significant frequency in large population cohorts (gnomAD); In silico analysis indicates that this missense variant does not alter protein structure/function; Has not been previously published as pathogenic or benign to our knowledge

NM_001292034.3(TAB2):c.1205G>A (p.Arg402Gln)

Genes: TAB2 (TGF-beta activated kinase 1 (MAP3K7) binding protein 2; plus strand), LOC126859827 (BRD4-independent group 4 enhancer GRCh37_chr6:149699707-149700906; plus strand). Cytogenetic location: 6q25.1.
Variant type: single nucleotide variant.
Coding change: c.1205G>A on transcript NM_001292034.3 (MANE Select); coding-DNA position 1205, G replaced by A.
Protein change: p.Arg402Gln; replaces arginine 402 with glutamine.
Molecular consequence: missense variant.
Genome position (GRCh38, 1-based): chr6:149,379,120, G>A. VCF-style: chr6-149379120-G-A. GRCh37 (hg19) VCF-style: chr6-149700256-G-A.
Other names: c.1109G>A, p.Arg370Gln (NM_001292035.3); c.1205G>A, p.Arg402Gln (NM_001369506.1, NM_015093.6); short protein forms R370Q, R402Q.
Identifiers: ClinVar variation 2662135 (VCV002662135.2), dbSNP rs1224456405, ClinGen allele CA365998182.